The following is an entry in ClinVar:

NM_001372044.2(SHANK3):c.3476_3501del (p.Pro1159fs)

Gene: SHANK3 (SH3 and multiple ankyrin repeat domains 3; plus strand). Cytogenetic location: 22q13.33.
Variant type: Deletion.
Coding change: c.3476_3501del on transcript NM_001372044.2 (MANE Select); coding-DNA positions 3476 to 3501, 26 bases deleted (CGAGCCTGGGGCCCTCGGGTTCCACC).
Protein change: p.Pro1159fs; shifts the reading frame from proline 1159.
Molecular consequence: frameshift variant.
Genome position (GRCh38, 1-based): chr22:50,721,084-50,721,109, CGAGCCTGGGGCCCTCGGGTTCCACC deleted; deleting any 26 consecutive bases within chr22:50,721,082-50,721,109 gives the same sequence; the c. name uses the placement nearest the transcript's 3' end. VCF-style (leftmost placement, unchanged base first): chr22-50721081-GCCCGAGCCTGGGGCCCTCGGGTTCCA-G. GRCh37 (hg19) VCF-style: chr22-51159509-GCCCGAGCCTGGGGCCCTCGGGTTCCA-G.
Other names: short protein forms P1159fs.
Identifiers: ClinVar variation 4891207 (VCV004891207.1).

ClinVar aggregate classification (germline): Likely pathogenic (1 of 4 stars; one submission).

Conditions:
Phelan-McDermid syndrome. Also called: TELOMERIC 22q13 MONOSOMY SYNDROME; 22q13.3 deletion syndrome; Phelan-McDermid Syndrome-SHANK3 Related. Identifiers: Orphanet 48652, MedGen C1853490, MONDO:0011652, OMIM 606232.

Submission:

Greenwood Genetic Center Diagnostic Laboratories, Greenwood Genetic Center
Classification: Likely pathogenic for Phelan-McDermid syndrome. Last evaluated: 2026-04-09. Review status: criteria provided, single submitter. Criteria: ACMG Guidelines, 2015. Collection method: clinical testing. Allele origin: germline. Affected: yes.
Comment: PVS1, PM2